The following is an entry in ClinVar:

ClinVar aggregate classification (germline): Uncertain significance (1 of 4 stars; one submission).

gnomAD v4.1: 1 of 1,610,640 alleles (0.000062%); highest among the groups gnomAD compares: Non-Finnish European, 0.000085%; no homozygotes.

Submission:

Labcorp Genetics (formerly Invitae), Labcorp
Classification: Uncertain significance. Last evaluated: 2024-07-24. Review status: criteria provided, single submitter. Criteria: Invitae Variant Classification Sherloc (09022015). Collection method: clinical testing. Allele origin: germline.
Comment: This sequence change replaces aspartic acid, which is acidic and polar, with glycine, which is neutral and non-polar, at codon 194 of the SMAD2 protein (p.Asp194Gly). This variant is not present in population databases (gnomAD no frequency). This variant has not been reported in the literature in individuals affected with SMAD2-related conditions. Advanced modeling of protein sequence and biophysical properties (such as structural, functional, and spatial information, amino acid conservation, physicochemical variation, residue mobility, and thermodynamic stability) performed at Invitae indicates that this missense variant is not expected to disrupt SMAD2 protein function with a negative predictive value of 80%. In summary, the available evidence is currently insufficient to determine the role of this variant in disease. Therefore, it has been classified as a Variant of Uncertain Significance.

NM_005901.6(SMAD2):c.581A>G (p.Asp194Gly)

Gene: SMAD2 (SMAD family member 2; minus strand). Cytogenetic location: 18q21.1.
Variant type: single nucleotide variant.
Coding change: c.581A>G on transcript NM_005901.6 (MANE Select); coding-DNA position 581, A replaced by G.
Protein change: p.Asp194Gly; replaces aspartic acid 194 with glycine.
Molecular consequence: missense variant.
Genome position (GRCh38, 1-based): chr18:47,868,397, T>C on the plus strand (A>G on the coding strand, the complement: SMAD2 is on the minus strand). VCF-style: chr18-47868397-T-C. GRCh37 (hg19) VCF-style: chr18-45394768-T-C.
Other names: c.581A>G, p.Asp194Gly (NM_001003652.4); c.491A>G, p.Asp164Gly (NM_001135937.3); short protein forms D164G, D194G.
Identifiers: ClinVar variation 3676570 (VCV003676570.2).